The following is an entry in ClinVar:

ClinVar aggregate classification (germline): Pathogenic (1 of 4 stars; one submission).

Conditions:
Dilated cardiomyopathy 1O (CMD1O). Also called: CARDIOMYOPATHY, DILATED, WITH VENTRICULAR TACHYCARDIA. Identifiers: Orphanet 154, MedGen C1837839, MONDO:0012062, OMIM 608569.

Submission:

Labcorp Genetics (formerly Invitae), Labcorp
Classification: Pathogenic for Dilated cardiomyopathy 1O. Last evaluated: 2024-10-01. Review status: criteria provided, single submitter. Criteria: Invitae Variant Classification Sherloc (09022015). Collection method: clinical testing. Allele origin: germline.
Comment: This sequence change creates a premature translational stop signal (p.Leu700*) in the ABCC9 gene. It is expected to result in an absent or disrupted protein product. Loss-of-function variants in ABCC9 are known to be pathogenic (PMID: 31575858, 38217872). This variant is not present in population databases (gnomAD no frequency). This variant has not been reported in the literature in individuals affected with ABCC9-related conditions. For these reasons, this variant has been classified as Pathogenic.

Literature cited by the submitters: PubMed 31575858; PubMed 38217872.

NM_020297.4(ABCC9):c.2099T>G (p.Leu700Ter)

Gene: ABCC9 (ATP binding cassette subfamily C member 9; minus strand). Cytogenetic location: 12p12.1.
Variant type: single nucleotide variant.
Coding change: c.2099T>G on transcript NM_020297.4 (MANE Select); coding-DNA position 2099, T replaced by G.
Protein change: p.Leu700Ter; replaces leucine 700 with a stop codon.
Molecular consequence: nonsense.
Genome position (GRCh38, 1-based): chr12:21,872,724, A>C on the plus strand (T>G on the coding strand, the complement: ABCC9 is on the minus strand). VCF-style: chr12-21872724-A-C. GRCh37 (hg19) VCF-style: chr12-22025658-A-C.
Other names: c.2099T>G, p.Leu700Ter (NM_001377273.1, NM_005691.4); c.1235T>G, p.Leu412Ter (NM_001377274.1); short protein forms L700*, L412*.
Identifiers: ClinVar variation 2842642 (VCV002842642.3), dbSNP rs2541326881, ClinGen allele CA384133116.